The following is an entry in ClinVar:

NM_199420.4(POLQ):c.6194A>G (p.Gln2065Arg)

Gene: POLQ (DNA polymerase theta; minus strand). Cytogenetic location: 3q13.33.
Variant type: single nucleotide variant.
Coding change: c.6194A>G on transcript NM_199420.4 (MANE Select); coding-DNA position 6194, A replaced by G.
Protein change: p.Gln2065Arg; replaces glutamine 2065 with arginine.
Molecular consequence: missense variant.
Genome position (GRCh38, 1-based): chr3:121,481,589, T>C on the plus strand (A>G on the coding strand, the complement: POLQ is on the minus strand). VCF-style: chr3-121481589-T-C. GRCh37 (hg19) VCF-style: chr3-121200436-T-C.
Other names: short protein forms Q2065R.
Identifiers: ClinVar variation 1752128 (VCV001752128.3), dbSNP rs373917854, ClinGen allele CA81830644.

ClinVar aggregate classification (germline): Uncertain significance (1 of 4 stars; one submission).

Allele frequency attached by ClinVar (database versions not stated): gnomAD exomes below 0.00001; TOPMed below 0.00001; ESP Exome Variant Server 0.00008.
gnomAD v4.1: 1 of 1,596,916 alleles (0.000063%); highest among the groups gnomAD compares: Non-Finnish European, 0.000085%; no homozygotes.

Submission:

Ambry Genetics
Classification: Uncertain significance. Last evaluated: 2024-11-03. Review status: criteria provided, single submitter. Criteria: Ambry Variant Classification Scheme 2023. Collection method: clinical testing. Allele origin: germline.
Comment: The p.Q2065R variant (also known as c.6194A>G), located in coding exon 19 of the POLQ gene, results from an A to G substitution at nucleotide position 6194. The glutamine at codon 2065 is replaced by arginine, an amino acid with highly similar properties. This amino acid position is conserved. In addition, this alteration is predicted to be tolerated by in silico analysis. Since supporting evidence is limited at this time, the clinical significance of this alteration remains unclear.